The following is an entry in ClinVar:

NM_004260.4(RECQL4):c.1535A>G (p.Tyr512Cys)

Gene: RECQL4 (RecQ like helicase 4; minus strand). Cytogenetic location: 8q24.3.
Variant type: single nucleotide variant.
Coding change: c.1535A>G on transcript NM_004260.4 (MANE Select); coding-DNA position 1535, A replaced by G.
Protein change: p.Tyr512Cys; replaces tyrosine 512 with cysteine.
Molecular consequence: missense variant.
Genome position (GRCh38, 1-based): chr8:144,515,021, T>C on the plus strand (A>G on the coding strand, the complement: RECQL4 is on the minus strand). VCF-style: chr8-144515021-T-C. GRCh37 (hg19) VCF-style: chr8-145740405-T-C.
Other names: c.1535A>G (NM_004260.3); short protein forms Y512C.
Identifiers: ClinVar variation 1478447 (VCV001478447.9), dbSNP rs2130703806, ClinGen allele CA372683962.
Genomic context (GRCh38, chr8:144,515,021, plus strand): 5'-GGAGAGACGACCAACGTGAGGCAGGGGCTGCGCCGGCTGTAGAGCAGCGCTGGGAGCTGG[T>C]AGCACAGGGACTTGCCGGCACCTGTAGGCAGCACCAGCAGCGTGGAGATGCCTGGATGGG-3'
Protein context (NP_004251.4, residues 502-522): LPTGAGKSLC[Tyr512Cys]QLPALLYSRR

ClinVar aggregate classification (germline): Uncertain significance. Review status: criteria provided, multiple submitters, no conflicts (2 of 4 stars). 2 submissions from 2 submitters: Uncertain significance (2). Last evaluated 2025-10-16.

Conditions:
Baller-Gerold syndrome (BGS). Also called: CRANIOSYNOSTOSIS WITH RADIAL DEFECTS. Identifiers: Orphanet 1225, MedGen C0265308, MONDO:0009039, OMIM 218600.
Inborn genetic diseases. Identifiers: MedGen C0950123, MeSH D030342.

Submissions (2):

Ambry Genetics
Classification: Uncertain significance for Inborn genetic diseases. Last evaluated: 2025-10-16. Review status: criteria provided, single submitter. Criteria: Ambry Variant Classification Scheme 2023. Collection method: clinical testing. Allele origin: germline.
Comment: The p.Y512C variant (also known as c.1535A>G), located in coding exon 9 of the RECQL4 gene, results from an A to G substitution at nucleotide position 1535. The tyrosine at codon 512 is replaced by cysteine, an amino acid with highly dissimilar properties. This amino acid position is conserved. In addition, this alteration is predicted to be deleterious by in silico analysis. Based on the available evidence, the clinical significance of this variant remains unclear.

Labcorp Genetics (formerly Invitae), Labcorp
Classification: Uncertain significance for Baller-Gerold syndrome. Last evaluated: 2022-08-10. Review status: criteria provided, single submitter. Criteria: Invitae Variant Classification Sherloc (09022015). Collection method: clinical testing. Allele origin: germline.
Comment: ClinVar contains an entry for this variant (Variation ID: 1478447). This variant has not been reported in the literature in individuals affected with RECQL4-related conditions. This variant is not present in population databases (gnomAD no frequency). This sequence change replaces tyrosine, which is neutral and polar, with cysteine, which is neutral and slightly polar, at codon 512 of the RECQL4 protein (p.Tyr512Cys). Experimental studies and prediction algorithms are not available or were not evaluated, and the functional significance of this variant is currently unknown. In summary, the available evidence is currently insufficient to determine the role of this variant in disease. Therefore, it has been classified as a Variant of Uncertain Significance.